The following is an entry in ClinVar:

ClinVar aggregate classification (germline): Uncertain significance (1 of 4 stars; one submission).

Conditions:
Autosomal dominant nonsyndromic hearing loss 1. Also called: KONIGSMARK SYNDROME; DEAFNESS, AUTOSOMAL DOMINANT 1, WITH OR WITHOUT THROMBOCYTOPENIA. Identifiers: Orphanet 90635, MedGen C1852282, MONDO:0007424, OMIM 124900.
Progressive microcephaly-seizures-cortical blindness-developmental delay syndrome. Also called: Seizures, cortical blindness, and microcephaly syndrome. Identifiers: Orphanet 477814, MedGen C5567650, MONDO:0014714, OMIM 616632.

Allele frequency attached by ClinVar (database versions not stated): gnomAD exomes below 0.00001.
gnomAD v4.1: 1 of 1,614,112 alleles (0.000062%); highest among the groups gnomAD compares: Non-Finnish European, 0.000085%; no homozygotes.

Submission:

Labcorp Genetics (formerly Invitae), Labcorp
Classification: Uncertain significance for Progressive microcephaly-seizures-cortical blindness-developmental delay syndrome; Autosomal dominant nonsyndromic hearing loss 1. Last evaluated: 2022-06-22. Review status: criteria provided, single submitter. Criteria: Invitae Variant Classification Sherloc (09022015). Collection method: clinical testing. Allele origin: germline.
Comment: In summary, the available evidence is currently insufficient to determine the role of this variant in disease. Therefore, it has been classified as a Variant of Uncertain Significance. Algorithms developed to predict the effect of missense changes on protein structure and function output the following: SIFT: "Deleterious"; PolyPhen-2: "Not Available"; Align-GVGD: "Class C0". The arginine amino acid residue is found in multiple mammalian species, which suggests that this missense change does not adversely affect protein function. This variant has not been reported in the literature in individuals affected with DIAPH1-related conditions. This variant is not present in population databases (gnomAD no frequency). This sequence change replaces lysine, which is basic and polar, with arginine, which is basic and polar, at codon 559 of the DIAPH1 protein (p.Lys559Arg).

NM_005219.5(DIAPH1):c.1676A>G (p.Lys559Arg)

Gene: DIAPH1 (diaphanous related formin 1; minus strand). Cytogenetic location: 5q31.3.
Variant type: single nucleotide variant.
Coding change: c.1676A>G on transcript NM_005219.5 (MANE Select); coding-DNA position 1676, A replaced by G.
Protein change: p.Lys559Arg; replaces lysine 559 with arginine.
Molecular consequence: missense variant.
Genome position (GRCh38, 1-based): chr5:141,574,174, T>C on the plus strand (A>G on the coding strand, the complement: DIAPH1 is on the minus strand). VCF-style: chr5-141574174-T-C. GRCh37 (hg19) VCF-style: chr5-140953741-T-C.
Other names: c.1649A>G, p.Lys550Arg (NM_001079812.3); c.1676A>G, p.Lys559Arg (NM_001314007.2); short protein forms K550R, K559R.
Identifiers: ClinVar variation 2111755 (VCV002111755.4), dbSNP rs2513742871, ClinGen allele CA361522201.